The following is an entry in ClinVar:

ClinVar aggregate classification (germline): Likely pathogenic. Review status: criteria provided, multiple submitters, no conflicts (2 of 4 stars). 2 submissions from 2 submitters: Likely pathogenic (2). Last evaluated 2025-11-12.

Conditions:
Galactosylceramide beta-galactosidase deficiency. Also called: Krabbe Disease; Leukodystrophy, Globoid Cell; GALACTOCEREBROSIDASE DEFICIENCY; GALC DEFICIENCY; GLOBOID CELL LEUKOENCEPHALOPATHY. Identifiers: Orphanet 487, MedGen C0023521, MONDO:0009499, OMIM 245200.

Submissions (2):

Natera, Inc.
Classification: Likely pathogenic for Galactosylceramide beta-galactosidase deficiency. Last evaluated: 2025-11-12. Review status: criteria provided, single submitter. Criteria: Natera Variant Classification Schema (03/2026). Collection method: clinical testing. Allele origin: germline.
Comment: The c.329-1G>A variant in GALC is a canonical splice acceptor site variant predicted to affect pre-mRNA splicing, which may result in an abnormal transcript and altered protein product. This variant is expected to result in nonsense mediated decay, truncation, or a dysfunctional protein product. This variant is rare in the general population with a frequency below the threshold expected for the associated phenotype(s). Given the available evidence, this variant is classified as Likely Pathogenic.

Labcorp Genetics (formerly Invitae), Labcorp
Classification: Likely pathogenic for Galactosylceramide beta-galactosidase deficiency. Last evaluated: 2021-11-26. Review status: criteria provided, single submitter. Criteria: Invitae Variant Classification Sherloc (09022015). Collection method: clinical testing. Allele origin: germline.
Comment: This sequence change affects an acceptor splice site in intron 3 of the GALC gene. It is expected to disrupt RNA splicing. Variants that disrupt the donor or acceptor splice site typically lead to a loss of protein function (PMID: 16199547), and loss-of-function variants in GALC are known to be pathogenic (PMID: 7437911, 9272171, 16607461). This variant is not present in population databases (gnomAD no frequency). This variant has not been reported in the literature in individuals affected with GALC-related conditions. Algorithms developed to predict the effect of sequence changes on RNA splicing suggest that this variant may disrupt the consensus splice site. In summary, the currently available evidence indicates that the variant is pathogenic, but additional data are needed to prove that conclusively. Therefore, this variant has been classified as Likely Pathogenic.

Literature cited by the submitters: PubMed 16199547 (cited by Labcorp Genetics (formerly Invitae), Labcorp); PubMed 7437911 (cited by Labcorp Genetics (formerly Invitae), Labcorp); PubMed 9272171 (cited by Labcorp Genetics (formerly Invitae), Labcorp); PubMed 16607461 (cited by Labcorp Genetics (formerly Invitae), Labcorp).

NM_000153.4(GALC):c.329-1G>A

Gene: GALC (galactosylceramidase; minus strand). Cytogenetic location: 14q31.3.
Variant type: single nucleotide variant.
Coding change: c.329-1G>A on transcript NM_000153.4 (MANE Select); the canonical splice acceptor site of the intron before coding-DNA position 329, G replaced by A.
Molecular consequence: splice acceptor variant.
Genome position (GRCh38, 1-based): chr14:87,986,603, C>T on the plus strand (G>A on the coding strand, the complement: GALC is on the minus strand). VCF-style: chr14-87986603-C-T. GRCh37 (hg19) VCF-style: chr14-88452947-C-T.
Other names: c.329-1G>A (NM_000153.3); c.251-1G>A (NM_001201402.2); c.260-1G>A (NM_001201401.2).
Identifiers: ClinVar variation 1494684 (VCV001494684.7), dbSNP rs1365632054, ClinGen allele CA390752855.